The following is an entry in ClinVar:

NM_003482.4(KMT2D):c.1371C>T (p.Pro457=)

Gene: KMT2D (lysine methyltransferase 2D; minus strand). Cytogenetic location: 12q13.12.
Variant type: single nucleotide variant.
Coding change: c.1371C>T on transcript NM_003482.4 (MANE Select); coding-DNA position 1371, C replaced by T.
Protein change: p.Pro457=; no amino-acid change (proline 457 retained).
Molecular consequence: synonymous variant.
Genome position (GRCh38, 1-based): chr12:49,052,312, G>A on the plus strand (C>T on the coding strand, the complement: KMT2D is on the minus strand). VCF-style: chr12-49052312-G-A. GRCh37 (hg19) VCF-style: chr12-49446095-G-A.
Identifiers: ClinVar variation 2642966 (VCV002642966.24), dbSNP rs200552003, ClinGen allele CA236621254.
Genomic context (GRCh38, chr12:49,052,312, plus strand): 5'-GGATGCGGGCAATTCCTCAGGTGGTGGTGACAGGCGTGATGCCTCAGGTGGTGGGGACGT[G>A]GGTGATTCCTCAGGTGGTGGGGACAGGGGTGACTCCTCAGGTGGGGGCAGCAGTGGCATC-3'
Protein context (NP_003473.3, residues 447-467): SPLSPPPEES[Pro457=]TSPPPEASRL

ClinVar aggregate classification (germline): Likely benign (1 of 4 stars; one submission).

Allele frequency attached by ClinVar (database versions not stated): gnomAD exomes below 0.00001; TOPMed 0.00001.
gnomAD v4.1: 2 of 1,582,466 alleles (0.00013%); highest among the groups gnomAD compares: Non-Finnish European, 0.00017%; no homozygotes.

Submission:

CeGaT Center for Human Genetics Tuebingen
Classification: Likely benign. Last evaluated: 2023-01-01. Review status: criteria provided, single submitter. Criteria: CeGaT Center For Human Genetics Tuebingen Variant Classification Criteria Version 2. Collection method: clinical testing. Allele origin: germline. Affected: yes. Observed: 1 variant allele.
Comment: KMT2D: BP4, BP7